The following is an entry in ClinVar:

NM_001379500.1(COL18A1):c.929C>T (p.Ala310Val)

Gene: COL18A1 (collagen type XVIII alpha 1 chain; plus strand). Cytogenetic location: 21q22.3.
Variant type: single nucleotide variant.
Coding change: c.929C>T on transcript NM_001379500.1 (MANE Select); coding-DNA position 929, C replaced by T.
Protein change: p.Ala310Val; replaces alanine 310 with valine.
Molecular consequence: missense variant.
Genome position (GRCh38, 1-based): chr21:45,477,411, C>T. VCF-style: chr21-45477411-C-T. GRCh37 (hg19) VCF-style: chr21-46897325-C-T.
Other names: c.1469C>T, p.Ala490Val (NM_030582.4); c.2174C>T, p.Ala725Val (NM_130444.3); short protein forms A310V, A490V, A725V.
Identifiers: ClinVar variation 1979965 (VCV001979965.2), dbSNP rs1307366960, ClinGen allele CA410514840.

ClinVar aggregate classification (germline): Uncertain significance (1 of 4 stars; one submission).

Allele frequency attached by ClinVar (database versions not stated): gnomAD 0.00001; gnomAD exomes 0.00001; TOPMed 0.00001.
gnomAD v4.1: 15 of 1,612,176 alleles (0.00093%); highest among the groups gnomAD compares: East Asian, 0.0022%; no homozygotes.

Submission:

Labcorp Genetics (formerly Invitae), Labcorp
Classification: Uncertain significance. Last evaluated: 2025-10-27. Review status: criteria provided, single submitter. Criteria: Invitae Variant Classification Sherloc (09022015). Collection method: clinical testing. Allele origin: germline.
Comment: This sequence change replaces alanine, which is neutral and non-polar, with valine, which is neutral and non-polar, at codon 310 of the COL18A1 protein (p.Ala310Val). This variant is not present in population databases (gnomAD no frequency). This variant has not been reported in the literature in individuals affected with COL18A1-related conditions. ClinVar contains an entry for this variant (Variation ID: 1979965). Experimental studies and prediction algorithms are not available or were not evaluated, and the functional significance of this variant is currently unknown. In summary, the available evidence is currently insufficient to determine the role of this variant in disease. Therefore, it has been classified as a Variant of Uncertain Significance.